The following is an entry in ClinVar:

ClinVar aggregate classification (germline): Uncertain significance. Review status: criteria provided, multiple submitters, no conflicts (2 of 4 stars). 3 submissions from 3 submitters: Uncertain significance (2). 1 of the submissions does not count toward it. Last evaluated 2025-02-17.

Conditions:
WT1-related disorder. Also called: WT1-related disorders. Identifiers: MedGen CN377814.
Inborn genetic diseases. Identifiers: MedGen C0950123, MeSH D030342.
Wilms tumor 1 (WT1). Also called: Wilms tumor, somatic. Identifiers: Orphanet 654, MedGen CN033288, MONDO:0008679, OMIM 194070.
11p partial monosomy syndrome (WAGR). Also called: WAGR Complex; WAGR Spectrum Disorder; CHROMOSOME 11p13 DELETION SYNDROME; WAGR syndrome. Identifiers: Orphanet 893, MedGen C0206115, MONDO:0008681, OMIM 194072.
Frasier syndrome. Identifiers: Orphanet 347, MedGen C0950122, MeSH D052159, MONDO:0007635, OMIM 136680.
Drash syndrome (DDS). Also called: WILMS TUMOR AND PSEUDO- OR TRUE HERMAPHRODITISM; NEPHROPATHY, WILMS TUMOR, AND GENITAL ANOMALIES. Identifiers: Orphanet 220, MedGen C0950121, MONDO:0008682, OMIM 194080.

Allele frequency attached by ClinVar (database versions not stated): gnomAD 0.00001; gnomAD exomes 0.00001 and 0.00002.
gnomAD v4.1: 18 of 1,535,428 alleles (0.0012%); highest among the groups gnomAD compares: Non-Finnish European, 0.0015%; no homozygotes.

Submissions (3):

Labcorp Genetics (formerly Invitae), Labcorp
Classification: Uncertain significance for Wilms tumor 1; Drash syndrome; 11p partial monosomy syndrome; Frasier syndrome. Last evaluated: 2025-02-17. Review status: criteria provided, single submitter. Criteria: Invitae Variant Classification Sherloc (09022015). Collection method: clinical testing. Allele origin: germline.
Comment: This sequence change replaces valine, which is neutral and non-polar, with leucine, which is neutral and non-polar, at codon 33 of the WT1 protein (p.Val33Leu). This variant is present in population databases (no rsID available, gnomAD 0.006%). This variant has not been reported in the literature in individuals affected with WT1-related conditions. ClinVar contains an entry for this variant (Variation ID: 645627). An algorithm developed to predict the effect of missense changes on protein structure and function outputs the following: PolyPhen-2: "Benign". The leucine amino acid residue is found in multiple mammalian species, which suggests that this missense change does not adversely affect protein function. In summary, the available evidence is currently insufficient to determine the role of this variant in disease. Therefore, it has been classified as a Variant of Uncertain Significance.

Ambry Genetics
Classification: Uncertain significance for Inborn genetic diseases. Last evaluated: 2024-12-08. Review status: criteria provided, single submitter. Criteria: Ambry Variant Classification Scheme 2023. Collection method: clinical testing. Allele origin: germline.
Comment: The p.V33L variant (also known as c.97G>C), located in coding exon 1 of the WT1 gene, results from a G to C substitution at nucleotide position 97. The valine at codon 33 is replaced by leucine, an amino acid with highly similar properties. This amino acid position is conserved. In addition, this alteration is predicted to be tolerated by in silico analysis. Based on the available evidence, the clinical significance of this variant remains unclear.

PreventionGenetics, part of Exact Sciences
Classification: Uncertain significance for WT1-related condition. Last evaluated: 2024-09-17. Review status: no assertion criteria provided. Collection method: clinical testing. Allele origin: germline. Not counted in ClinVar's aggregate classification.
Comment: The WT1 c.97G>C variant is predicted to result in the amino acid substitution p.Val33Leu. To our knowledge, this variant has not been reported in the literature. This variant is reported in 0.0060% of alleles in individuals of European (Non-Finnish) descent in gnomAD. At this time, the clinical significance of this variant is uncertain due to the absence of conclusive functional and genetic evidence.

NM_024426.6(WT1):c.112G>C (p.Val38Leu)

Genes: WT1 (WT1 transcription factor; minus strand), LOC107982234 (WT1/WT1-AS bi-directional promoter region; plus strand). Cytogenetic location: 11p13.
Variant type: single nucleotide variant.
Coding change: c.112G>C on transcript NM_024426.6 (MANE Select); coding-DNA position 112, G replaced by C.
Protein change: p.Val38Leu; replaces valine 38 with leucine.
Molecular consequence: missense variant. On other transcripts: non-coding transcript variant (1).
Genome position (GRCh38, 1-based): chr11:32,435,249, C>G on the plus strand (G>C on the coding strand, the complement: WT1 is on the minus strand). VCF-style: chr11-32435249-C-G. GRCh37 (hg19) VCF-style: chr11-32456795-C-G.
Other names: c.112G>C, p.Val38Leu (NM_000378.6, NM_024424.5); short protein forms V38L.
Identifiers: ClinVar variation 645627 (VCV000645627.13), dbSNP rs1229949294, ClinGen allele CA379966359.